The following is an entry in ClinVar:

ClinVar aggregate classification (germline): Benign. Review status: criteria provided, multiple submitters, no conflicts (2 of 4 stars). 2 submissions from 2 submitters: Benign (2). Last evaluated 2018-01-13.

Conditions:
Cardiomyopathy-hypotonia-lactic acidosis syndrome (MPCD). Identifiers: Orphanet 91130, MedGen C1835845, MONDO:0012557, OMIM 610773.

Allele frequency attached by ClinVar (database versions not stated): gnomAD 0.00438 and 0.00515; TOPMed 0.00516; gnomAD exomes 0.00627; 1000 Genomes Project 0.01138; 1000 Genomes Project 30x 0.01218.
gnomAD v4.1: 4,843 of 790,024 alleles (0.61%); highest among the groups gnomAD compares: East Asian, 2.1%; 35 homozygotes.

Submissions (2):

Illumina Laboratory Services, Illumina
Classification: Benign for Cardiomyopathy-hypotonia-lactic acidosis syndrome. Last evaluated: 2018-01-13. Review status: criteria provided, single submitter. Criteria: ICSL Variant Classification Criteria 13 December 2019. Collection method: clinical testing. Allele origin: germline.
Comment: This variant was observed in the ICSL laboratory as part of a predisposition screen in an ostensibly healthy population. It had not been previously curated by ICSL or reported in the Human Gene Mutation Database (HGMD: prior to June 1st, 2018), and was therefore a candidate for classification through an automated scoring system. Utilizing variant allele frequency, disease prevalence and penetrance estimates, and inheritance mode, an automated score was calculated to assess if this variant is too frequent to cause the disease. Based on the score and internal cut-off values, a variant classified as benign is not then subjected to further curation. The score for this variant resulted in a classification of benign for this disease.

Breakthrough Genomics
Classification: Benign. Review status: criteria provided, single submitter. Criteria: ACMG Guidelines, 2015. Collection method: not provided. Allele origin: germline. Inheritance: Autosomal recessive inheritance. Affected: yes.

NM_002635.4(SLC25A3):c.*102C>A

Gene: SLC25A3 (solute carrier family 25 member 3; plus strand). Cytogenetic location: 12q23.1.
Variant type: single nucleotide variant.
Coding change: c.*102C>A on transcript NM_002635.4 (MANE Select); 102 bases downstream of the stop codon, C replaced by A.
Molecular consequence: 3 prime UTR variant.
Genome position (GRCh38, 1-based): chr12:98,601,630, C>A. VCF-style: chr12-98601630-C-A. GRCh37 (hg19) VCF-style: chr12-98995408-C-A.
Other names: c.*102C>A (NM_005888.4, NM_213611.3).
Identifiers: ClinVar variation 310805 (VCV000310805.6), dbSNP rs74604883, ClinGen allele CA10642672.